The following is an entry in ClinVar:

NM_002206.3(ITGA7):c.2433-5G>A

Genes: ITGA7 (integrin subunit alpha 7; minus strand), LOC126861535 (CDK7 strongly-dependent group 2 enhancer GRCh37_chr12:56087579-56088778; plus strand). Cytogenetic location: 12q13.2.
Variant type: single nucleotide variant.
Coding change: c.2433-5G>A on transcript NM_002206.3 (MANE Select); 5 bases into the intron before coding-DNA position 2433, G replaced by A.
Molecular consequence: intron variant.
Genome position (GRCh38, 1-based): chr12:55,694,128, C>T on the plus strand (G>A on the coding strand, the complement: ITGA7 is on the minus strand). VCF-style: chr12-55694128-C-T. GRCh37 (hg19) VCF-style: chr12-56087912-C-T.
Other names: p.?; c.2154-5G>A (NM_001144997.2); c.2106-5G>A (NM_001367993.1); c.2094-5G>A (NM_001414035.1); c.2250-5G>A (NM_001414033.1); c.1089-5G>A (NM_001367994.1); c.2313-5G>A (NM_001414032.1); c.2346-5G>A (NM_001414031.1); and 6 more.
Identifiers: ClinVar variation 94039 (VCV000094039.24), dbSNP rs79745402, ClinGen allele CA147559.
Genomic context (GRCh38, chr12:55,694,128, plus strand): 5'-TGGCTCTCTCGCCCCTCACCACACCAGAGAAGAAGAGTTGCTGGGGAATGGCCATTCTGG[C>T]GTGGAGAGGTCAGAACAGGGGTGAGAAGGTCTGGGGCCTGGCTCAATGAAGGCAGGGCCC-3'

ClinVar aggregate classification (germline): Benign. Review status: criteria provided, multiple submitters, no conflicts (2 of 4 stars). 8 submissions from 8 submitters: Benign (7). 1 of the submissions does not count toward it. Last evaluated 2026-01-31.

Conditions:
Congenital muscular dystrophy due to integrin alpha-7 deficiency. Also called: Congenital muscular dystrophy with integrin alpha-7 deficiency; MYOPATHY, CONGENITAL, DUE TO INTEGRIN ALPHA-7 DEFICIENCY; Muscular dystrophy, congenital, due to ITGA7 deficiency. Identifiers: Orphanet 34520, MedGen C2750786, MONDO:0013177, OMIM 613204.

Allele frequency attached by ClinVar (database versions not stated): gnomAD exomes 0.00629 and 0.00742; ExAC 0.00835; 1000 Genomes Project 0.01897; gnomAD 0.01948 and 0.02069; 1000 Genomes Project 30x 0.01999; TOPMed 0.02216; ESP Exome Variant Server 0.02314.
gnomAD v4.1: 12,267 of 1,613,934 alleles (0.76%); highest among the groups gnomAD compares: African/African-American, 5.9%; 153 homozygotes.

Submissions (8):

Labcorp Genetics (formerly Invitae), Labcorp
Classification: Benign for Congenital muscular dystrophy due to integrin alpha-7 deficiency. Last evaluated: 2026-01-31. Review status: criteria provided, single submitter. Criteria: Invitae Variant Classification Sherloc (09022015). Collection method: clinical testing. Allele origin: germline.

Mayo Clinic Laboratories, Mayo Clinic
Classification: Benign. Last evaluated: 2018-08-09. Review status: criteria provided, single submitter. Criteria: ACMG Guidelines, 2015. Collection method: clinical testing. Allele origin: germline. Observed: 16 variant alleles.

Athena Diagnostics
Classification: Benign. Last evaluated: 2017-03-15. Review status: criteria provided, single submitter. Criteria: Athena Diagnostics Criteria. Collection method: clinical testing. Allele origin: germline.

GeneDx
Classification: Benign. Last evaluated: 2016-03-29. Review status: criteria provided, single submitter. Criteria: GeneDx Variant Classification (06012015). Collection method: clinical testing. Allele origin: germline. Affected: yes.
Comment: This variant is considered likely benign or benign based on one or more of the following criteria: it is a conservative change, it occurs at a poorly conserved position in the protein, it is predicted to be benign by multiple in silico algorithms, and/or has population frequency not consistent with disease.

Eurofins Ntd Llc (ga)
Classification: Benign. Last evaluated: 2013-07-26. Review status: criteria provided, single submitter. Criteria: EGL Classification Definitions 2015. Collection method: clinical testing. Allele origin: germline. Observed: 3 variant alleles, 3 heterozygotes.

Breakthrough Genomics
Classification: Benign. Review status: criteria provided, single submitter. Criteria: ACMG Guidelines, 2015. Collection method: not provided. Allele origin: germline. Inheritance: Autosomal recessive inheritance. Affected: yes.

PreventionGenetics, part of Exact Sciences
Classification: Benign. Review status: criteria provided, single submitter. Criteria: ACMG Guidelines, 2015. Collection method: clinical testing. Allele origin: germline.

Genetic Services Laboratory, University of Chicago
Classification: Likely benign for AllHighlyPenetrant. Review status: no assertion criteria provided. Collection method: clinical testing. Allele origin: germline. Inheritance: Autosomal recessive inheritance. Not counted in ClinVar's aggregate classification.
Comment: Likely benign based on allele frequency in 1000 Genomes Project or ESP global frequency and its presence in a patient with a rare or unrelated disease phenotype. NOT Sanger confirmed.